The following is an entry in ClinVar:

ClinVar aggregate classification (germline): Pathogenic (1 of 4 stars; one submission).

Submission:

GeneDx
Classification: Pathogenic. Last evaluated: 2026-03-12. Review status: criteria provided, single submitter. Criteria: GeneDx Variant Classification Process June 2021. Collection method: clinical testing. Allele origin: germline.
Comment: Canonical splice site variant predicted to result in a null allele in a gene for which loss of function is a known mechanism of disease; Not observed at significant frequency in large population cohorts (gnomAD); Has not been previously published as pathogenic or benign to our knowledge

NM_000548.5(TSC2):c.4990-6_5008dup

Gene: TSC2 (TSC complex subunit 2; plus strand). Cytogenetic location: 16p13.3.
Variant type: Duplication.
Coding change: c.4990-6_5008dup on transcript NM_000548.5 (MANE Select); 6 bases into the intron before coding-DNA position 4990 through coding-DNA position 5008, 25 bases duplicated (GGGCAGGGCCAGTTCAACTTTGTCC).
Molecular consequence: splice acceptor variant.
Genome position (GRCh38, 1-based): chr16:2,087,857-2,087,881, GGGCAGGGCCAGTTCAACTTTGTCC duplicated; duplicating any 25 consecutive bases within chr16:2,087,851-2,087,881 gives the same sequence; the c. name uses the placement nearest the transcript's 3' end. VCF-style (leftmost placement, unchanged base first): chr16-2087850-C-CTTGTCCGGGCAGGGCCAGTTCAACT. GRCh37 (hg19) VCF-style: chr16-2137851-C-CTTGTCCGGGCAGGGCCAGTTCAACT.
Other names: c.3448-6_3466dup (NM_001406693.1, NM_001406692.1, NM_001406694.1); c.4882-6_4900dup (NM_001406667.1); c.4879-6_4897dup (NM_001406668.1); c.4390-6_4408dup (NM_001406680.1); c.4321-6_4339dup (NM_001406683.1, NM_001406682.1); c.4189-6_4207dup (NM_001406687.1, NM_001406688.1); c.3577-6_3595dup (NM_001406689.1); c.3517-6_3535dup (NM_001406690.1); and 26 more.
Identifiers: ClinVar variation 5008489 (VCV005008489.1).